The following is an entry in ClinVar:

ClinVar aggregate classification (germline): Uncertain significance (1 of 4 stars; one submission).

Conditions:
ASXL3-related disorder. Also called: ASXL3-related condition. Identifiers: MedGen CN381524.

Submission:

PreventionGenetics, part of Exact Sciences
Classification: Uncertain significance for ASXL3-related condition. Last evaluated: 2025-09-11. Review status: criteria provided, single submitter. Criteria: ACMG Guidelines, 2015. Collection method: clinical testing. Allele origin: germline.
Comment: The ASXL3 c.4715C>G variant is predicted to result in the amino acid substitution p.Pro1572Arg. To our knowledge, this variant has not been reported in the literature or in a large population database (gnomAD), indicating this variant is rare. At this time, the clinical significance of this variant is uncertain due to the absence of conclusive functional and genetic evidence.

NM_030632.3(ASXL3):c.4715C>G (p.Pro1572Arg)

Gene: ASXL3 (ASXL transcriptional regulator 3; plus strand). Cytogenetic location: 18q12.1.
Variant type: single nucleotide variant.
Coding change: c.4715C>G on transcript NM_030632.3 (MANE Select); coding-DNA position 4715, C replaced by G.
Protein change: p.Pro1572Arg; replaces proline 1572 with arginine.
Molecular consequence: missense variant.
Genome position (GRCh38, 1-based): chr18:33,744,563, C>G. VCF-style: chr18-33744563-C-G. GRCh37 (hg19) VCF-style: chr18-31324527-C-G.
Other names: short protein forms P1572R.
Identifiers: ClinVar variation 4992146 (VCV004992146.1).
Genomic context (GRCh38, chr18:33,744,563, plus strand): 5'-TGCCGGCCACCTGCACAAGTCTCCGAGAATTACCCCTTGTTCCAGATAAATTAAATGAGC[C>G]GACTGCTCCCAGTCATAACTTTGCTGAGCAGGCACGTGGCCCAGCTCCTTTCAAAAGTGA-3'
Protein context (NP_085135.1, residues 1562-1582): LPLVPDKLNE[Pro1572Arg]TAPSHNFAEQ